The following is an entry in ClinVar:

NM_006885.4(ZFHX3):c.4154A>G (p.His1385Arg)

Genes: ZFHX3 (zinc finger homeobox 3; minus strand), ZFHX3-AS1 (ZFHX3 antisense RNA 1; plus strand). Cytogenetic location: 16q22.2.
Variant type: single nucleotide variant.
Coding change: c.4154A>G on transcript NM_006885.4 (MANE Select); coding-DNA position 4154, A replaced by G.
Protein change: p.His1385Arg; replaces histidine 1385 with arginine.
Molecular consequence: missense variant.
Genome position (GRCh38, 1-based): chr16:72,798,528, T>C on the plus strand (A>G on the coding strand, the complement: ZFHX3 is on the minus strand). VCF-style: chr16-72798528-T-C. GRCh37 (hg19) VCF-style: chr16-72832427-T-C.
Other names: c.1412A>G, p.His471Arg (NM_001164766.2); c.4154A>G, p.His1385Arg (NM_001386735.1); short protein forms H1385R, H471R.
Identifiers: ClinVar variation 3778611 (VCV003778611.7).

ClinVar aggregate classification (germline): Uncertain significance (1 of 4 stars; one submission).

Submission:

CeGaT Center for Human Genetics Tuebingen
Classification: Uncertain significance. Last evaluated: 2025-03-01. Review status: criteria provided, single submitter. Criteria: CeGaT Center For Human Genetics Tuebingen Variant Classification Criteria Version 2. Collection method: clinical testing. Allele origin: germline. Affected: yes. Observed: 1 variant allele.
Comment: ZFHX3: PM2